The following is an entry in ClinVar:

ClinVar aggregate classification (germline): Uncertain significance. Review status: criteria provided, multiple submitters, no conflicts (2 of 4 stars). 4 submissions from 4 submitters: Uncertain significance (4). Last evaluated 2025-12-17.

Conditions:
Glucocorticoid deficiency 5. Identifiers: MedGen C4540522, MONDO:0040502, OMIM 617825.
Primary dilated cardiomyopathy (DCM). Also called: Dilated Cardiomyopathy. Identifiers: Orphanet 217604, MedGen C0007193, MeSH D002311, MONDO:0005021, HP:0001644. Inheritance: Various modes of inheritance.
Cardiovascular phenotype. Identifiers: MedGen CN230736.

Allele frequency attached by ClinVar (database versions not stated): gnomAD exomes below 0.00001 and 0.00001; ExAC 0.00001; TOPMed 0.00005; gnomAD 0.00007 and 0.00008; ESP Exome Variant Server 0.00008.
gnomAD v4.1: 18 of 1,613,952 alleles (0.0011%); highest among the groups gnomAD compares: African/African-American, 0.023%; no homozygotes.

Submissions (4):

Labcorp Genetics (formerly Invitae), Labcorp
Classification: Uncertain significance for Primary dilated cardiomyopathy. Last evaluated: 2025-12-17. Review status: criteria provided, single submitter. Criteria: Invitae Variant Classification Sherloc (09022015). Collection method: clinical testing. Allele origin: germline.
Comment: This sequence change replaces aspartic acid, which is acidic and polar, with tyrosine, which is neutral and polar, at codon 344 of the TXNRD2 protein (p.Asp344Tyr). This variant is present in population databases (rs373839226, gnomAD 0.02%). This variant has not been reported in the literature in individuals affected with TXNRD2-related conditions. ClinVar contains an entry for this variant (Variation ID: 524921). Invitae Evidence Modeling of protein sequence and biophysical properties (such as structural, functional, and spatial information, amino acid conservation, physicochemical variation, residue mobility, and thermodynamic stability) indicates that this missense variant is not expected to disrupt TXNRD2 protein function with a negative predictive value of 80%. In summary, the available evidence is currently insufficient to determine the role of this variant in disease. Therefore, it has been classified as a Variant of Uncertain Significance.

Ambry Genetics
Classification: Uncertain significance for Cardiovascular phenotype. Last evaluated: 2023-12-14. Review status: criteria provided, single submitter. Criteria: Ambry Variant Classification Scheme 2023. Collection method: clinical testing. Allele origin: germline.
Comment: The p.D344Y variant (also known as c.1030G>T), located in coding exon 12 of the TXNRD2 gene, results from a G to T substitution at nucleotide position 1030. The aspartic acid at codon 344 is replaced by tyrosine, an amino acid with highly dissimilar properties. This amino acid position is not well conserved in available vertebrate species. In addition, the in silico prediction for this alteration is inconclusive. The evidence for this gene-disease relationship is limited; therefore, the clinical significance of this alteration is unclear.

Fulgent Genetics
Classification: Uncertain significance for Glucocorticoid deficiency 5. Last evaluated: 2021-11-14. Review status: criteria provided, single submitter. Criteria: ACMG Guidelines, 2015. Collection method: clinical testing. Allele origin: unknown.

GeneDx
Classification: Uncertain significance. Last evaluated: 2019-04-02. Review status: criteria provided, single submitter. Criteria: GeneDx Variant Classification Process June 2021. Collection method: clinical testing. Allele origin: germline. Affected: yes.
Comment: In silico analysis, which includes protein predictors and evolutionary conservation, supports a deleterious effect; Has not been previously published as pathogenic or benign to our knowledge; Reported in ClinVar but additional evidence is not available (ClinVar Variant ID# 524921; Landrum et al., 2016)

NM_006440.5(TXNRD2):c.1030G>T (p.Asp344Tyr)

Gene: TXNRD2 (thioredoxin reductase 2; minus strand). Cytogenetic location: 22q11.21.
Variant type: single nucleotide variant.
Coding change: c.1030G>T on transcript NM_006440.5 (MANE Select); coding-DNA position 1030, G replaced by T.
Protein change: p.Asp344Tyr; replaces aspartic acid 344 with tyrosine.
Molecular consequence: missense variant. On other transcripts: non-coding transcript variant (1).
Genome position (GRCh38, 1-based): chr22:19,883,381, C>A on the plus strand (G>T on the coding strand, the complement: TXNRD2 is on the minus strand). VCF-style: chr22-19883381-C-A. GRCh37 (hg19) VCF-style: chr22-19870904-C-A.
Other names: c.1027G>T, p.Asp343Tyr (NM_001352300.2); c.940G>T, p.Asp314Tyr (NM_001352301.2); c.742G>T, p.Asp248Tyr (NM_001352302.2); short protein forms D344Y, D343Y, D248Y, D314Y.
Identifiers: ClinVar variation 524921 (VCV000524921.11), dbSNP rs373839226, ClinGen allele CA10103860.